The following is an entry in ClinVar:

ClinVar aggregate classification (germline): Benign (1 of 4 stars; one submission).

Allele frequency attached by ClinVar (database versions not stated): gnomAD 0.06331 and 0.06762; TOPMed 0.07074; 1000 Genomes Project 0.07288; 1000 Genomes Project 30x 0.07808.
gnomAD v4.1: 9,506 of 151,768 alleles (6.3%); highest among the groups gnomAD compares: African/African-American, 22%; 1,016 homozygotes.

Submission:

GeneDx
Classification: Benign. Last evaluated: 2018-06-19. Review status: criteria provided, single submitter. Criteria: GeneDx Variant Classification (06012015). Collection method: clinical testing. Allele origin: germline. Affected: yes.
Comment: This variant is considered likely benign or benign based on one or more of the following criteria: it is a conservative change, it occurs at a poorly conserved position in the protein, it is predicted to be benign by multiple in silico algorithms, and/or has population frequency not consistent with disease.

NM_014000.3(VCL):c.622+211T>C

Gene: VCL (vinculin; plus strand). Cytogenetic location: 10q22.2.
Variant type: single nucleotide variant.
Coding change: c.622+211T>C on transcript NM_014000.3 (MANE Select); 211 bases into the intron after coding-DNA position 622, T replaced by C.
Molecular consequence: intron variant.
Genome position (GRCh38, 1-based): chr10:74,073,063, T>C. VCF-style: chr10-74073063-T-C. GRCh37 (hg19) VCF-style: chr10-75832821-T-C.
Other names: c.622+211T>C (NM_003373.4).
Identifiers: ClinVar variation 671214 (VCV000671214.1), dbSNP rs111609277, ClinGen allele CA209693368.
Genomic context (GRCh38, chr10:74,073,063, plus strand): 5'-CGATCTCGGCTCACTGCAACCTCTGCCTCCTGGGTTCAAGCGATTCTCCTGCCTCAGCCT[T>C]CTGAGTAGCAGGCACTACAGGTGCGCACTGCCATGCCCAGCTAATTTTTGTATTTTCAGT-3'